The following is an entry in ClinVar:

NM_025137.4(SPG11):c.3311dup (p.Asn1104fs)

Gene: SPG11 (SPG11 vesicle trafficking associated, spatacsin; minus strand). Cytogenetic location: 15q21.1.
Variant type: Duplication.
Coding change: c.3311dup on transcript NM_025137.4 (MANE Select); coding-DNA position 3311, one base duplicated (A; older notation c.3311dupA).
Protein change: p.Asn1104fs; shifts the reading frame from asparagine 1104.
Molecular consequence: frameshift variant.
Genome position (GRCh38, 1-based): chr15:44,608,586, T duplicated on the plus strand (A on the coding strand, the reverse complement: SPG11 is on the minus strand); the first of 4 consecutive T bases (chr15:44,608,586-44,608,589); duplicating any one gives the same sequence. VCF-style (leftmost placement, unchanged base first): chr15-44608585-A-AT. GRCh37 (hg19) VCF-style: chr15-44900783-A-AT.
Other names: c.3311dupA (NM_025137.3, NM_025137.4); c.3311dup, p.Asn1104fs (NM_001160227.2); c.3311dup (NM_025137.3); short protein forms N1104fs.
Identifiers: ClinVar variation 503939 (VCV000503939.15), dbSNP rs753257469, ClinGen allele CA7534999.

ClinVar aggregate classification (germline): Pathogenic. Review status: criteria provided, multiple submitters, no conflicts (2 of 4 stars). 5 submissions from 5 submitters: Pathogenic (5). Last evaluated 2026-02-02.

Conditions:
Hereditary spastic paraplegia 11. Also called: Spastic Paraplegia 11; Spastic paraplegia, mental retardation and thin corpus callosum; Nakamura Osame syndrome; Autosomal recessive hereditary spastic paraplegia, mental impairment, and thin corpus callosum; SPASTIC PARAPLEGIA, AUTOSOMAL RECESSIVE, COMPLICATED, WITH THIN CORPUS CALLOSUM; SPASTIC PARAPLEGIA, AUTOSOMAL RECESSIVE, WITH MENTAL IMPAIRMENT AND THIN CORPUS CALLOSUM. Identifiers: Orphanet 2822, MedGen C1858479, MONDO:0011445, OMIM 604360.

Submissions (5):

Labcorp Genetics (formerly Invitae), Labcorp
Classification: Pathogenic for Hereditary spastic paraplegia 11. Last evaluated: 2026-02-02. Review status: criteria provided, single submitter. Criteria: Invitae Variant Classification Sherloc (09022015). Collection method: clinical testing. Allele origin: germline.
Comment: This sequence change creates a premature translational stop signal (p.Asn1104Lysfs*2) in the SPG11 gene. It is expected to result in an absent or disrupted protein product. Loss-of-function variants in SPG11 are known to be pathogenic (PMID: 19105190, 20110243, 22154821, 26556829). This variant is present in population databases (rs753257469, gnomAD 0.0009%). This variant has not been reported in the literature in individuals affected with SPG11-related conditions. ClinVar contains an entry for this variant (Variation ID: 503939). For these reasons, this variant has been classified as Pathogenic.

Daryl Scott Lab, Baylor College of Medicine
Classification: Pathogenic for Hereditary spastic paraplegia 11. Last evaluated: 2025-08-25. Review status: criteria provided, single submitter. Criteria: ACMG Guidelines, 2015. Collection method: clinical testing. Allele origin: paternal. Affected: yes. Observed: 1 heterozygote.
Comment: PVS1

GeneDx
Classification: Pathogenic. Last evaluated: 2025-07-11. Review status: criteria provided, single submitter. Criteria: GeneDx Variant Classification Process June 2021. Collection method: clinical testing. Allele origin: germline. Affected: yes.
Comment: Has not been previously published as pathogenic or benign to our knowledge; Frameshift variant predicted to result in protein truncation or nonsense mediated decay in a gene for which loss of function is a known mechanism of disease; Not observed at significant frequency in large population cohorts (gnomAD)

Genetic Services Laboratory, University of Chicago
Classification: Pathogenic. Last evaluated: 2024-10-24. Review status: criteria provided, single submitter. Criteria: ACMG Guidelines, 2015. Collection method: clinical testing. Allele origin: germline. Affected: yes.
Comment: DNA sequence analysis of the SPG11 gene demonstrated a single base pair duplication in exon 19, c.3311dup. This sequence change results in an amino acid frameshift and creates a premature stop codon two amino acids downstream of the change, p.Asn1104Lysfs*2. This sequence change is predicted to result in an abnormal transcript, which may be degraded, or may lead to the production of a truncated SPG11 protein with potentially abnormal function. This sequence change has been described in the gnomAD database with a frequency of 0.003% in the global population (dbSNP rs753257469). While this sequence change has not previously been described in the literature, other loss-of-function variants in the SPG11 gene have been described in several individuals with SPG11-related disorders (PMID: 19105190, 20110243, 22154821, 26556829). These collective evidences indicate that this sequence change is pathogenic, however functional studies have not been performed to prove this conclusively.

Genome-Nilou Lab
Classification: Pathogenic for Hereditary spastic paraplegia 11. Review status: criteria provided, single submitter. Criteria: ACMG Guidelines, 2015. Collection method: clinical testing. Allele origin: germline.

Literature cited by the submitters: PubMed 19105190 (cited by Labcorp Genetics (formerly Invitae), Labcorp); PubMed 20110243 (cited by Labcorp Genetics (formerly Invitae), Labcorp); PubMed 22154821 (cited by Labcorp Genetics (formerly Invitae), Labcorp); PubMed 26556829 (cited by Labcorp Genetics (formerly Invitae), Labcorp).